The following is an entry in ClinVar:

ClinVar aggregate classification (germline): Likely pathogenic. Review status: reviewed by expert panel (3 of 4 stars). 2 submissions from 2 submitters: Likely pathogenic (1). 1 of the submissions does not count toward it. Last evaluated 2026-08-20.

Conditions:
RPE65-related recessive retinopathy. Also called: Recessive RPE65 retinopathy. Identifiers: MedGen CN305526, MONDO:0100368.

Submissions (2):

ClinGen Leber Congenital Amaurosis/early Onset Retinal Dystrophy Variant Curation Expert Panel, ClinGen
Classification: Likely pathogenic for RPE65-related recessive retinopathy. Last evaluated: 2026-08-20. Review status: reviewed by expert panel. Criteria: ClinGen LCAeoRD ACMG Specifications RPE65 V1.0.0. Collection method: curation. Allele origin: germline. Inheritance: Autosomal recessive inheritance.
Comment: NM_000329.3(RPE65):c.331C>A is a missense variant encoding a substitution of proline by threonine at codon p.111. The variant is located within the membrane-interacting region between amino acids 107 and 125, which is a well-characterized functional domain required for proper localization to the ER membrane (PM1, PMID: 36265895). Another missense variant in the same codon (NM_000329.3(RPE65):c.331C>T (p.Pro111Ser)) has been classified as pathogenic for RPE65-related recessive retinopathy by the ClinGen LCA / eoRD VCEP (PM5, PMID: 32347917). Splicing prediction using SpliceAI did not strongly predict an effect on splicing due to either of these variants. The computational predictor REVEL gives a score of 0.968, which is above the ClinGen LCA / eoRD VCEP threshold of ≥ 0.773 for PP3_Moderate and predicts a damaging effect on RPE65 function (PP3_Moderate). This variant is absent from gnomAD v4.1.1 (PM2_Supporting). At least one proband harboring this variant exhibits a phenotype of retinal dystrophy, however, sufficient details are not available to establish specificity of phenotype for RPE65-related recessive retinopathy (SCV001240152.1). In summary, this variant meets the criteria to be classified as likely pathogenic for RPE65-related recessive retinopathy based on the ACMG/AMP criteria applied, as specified by the ClinGen LCA/eoRP VCEP: PM1, PM2_Supporting, PM5, PP3_Moderate. (LCA/eoRD VCEP specifications version 1.0.0).

Blueprint Genetics
Classification: Uncertain significance. Last evaluated: 2019-12-23. Review status: criteria provided, single submitter. Criteria: ACMG Guidelines, 2015. Collection method: clinical testing. Allele origin: germline. Not counted in ClinVar's aggregate classification.

NM_000329.3(RPE65):c.331C>A (p.Pro111Thr)

Gene: RPE65 (retinoid isomerohydrolase RPE65; minus strand). Cytogenetic location: 1p31.3.
Variant type: single nucleotide variant.
Coding change: c.331C>A on transcript NM_000329.3 (MANE Select); coding-DNA position 331, C replaced by A.
Protein change: p.Pro111Thr; replaces proline 111 with threonine.
Molecular consequence: missense variant.
Genome position (GRCh38, 1-based): chr1:68,444,798, G>T on the plus strand (C>A on the coding strand, the complement: RPE65 is on the minus strand). VCF-style: chr1-68444798-G-T. GRCh37 (hg19) VCF-style: chr1-68910481-G-T.
Other names: NM_000329.3(RPE65):c.331C>A; p.Pro111Thr; short protein forms P111T.
Identifiers: ClinVar variation 866507 (VCV000866507.4), dbSNP rs886042220, ClinGen allele CA340748185.
Genomic context (GRCh38, chr1:68,444,798, plus strand): 5'-AAAATGTCTTGAGTAACATTCAGTTTGGGTTCAGTAACCTGGAAAATATATTCTTGCAGG[G>T]ATCTGGGAAAGCACAGGTGCCAAATTCTGTTATGACGATCCTTTTCTCAGTCATTGCCCG-3'
Protein context (NP_000320.1, residues 101-121): TEFGTCAFPD[Pro111Thr]CKNIFSRFFS